The following is an entry in ClinVar:

ClinVar aggregate classification (germline): Uncertain significance. Review status: criteria provided, multiple submitters, no conflicts (2 of 4 stars). 3 submissions from 3 submitters: Uncertain significance (3). Last evaluated 2025-10-21.

Conditions:
Hereditary cancer-predisposing syndrome. Also called: Hereditary neoplastic syndrome; Tumor predisposition; Hereditary Cancer Syndrome; Neoplastic Syndromes, Hereditary. Identifiers: Orphanet 140162, MedGen C0027672, MeSH D009386, MONDO:0015356.
POLD1-related polyposis and colorectal cancer syndrome (CRCS10). Also called: Colorectal cancer, susceptibility to, 10; Colorectal cancer 10; COLORECTAL CANCER, SUSCEPTIBILITY TO, ON CHROMOSOME 19q. Identifiers: Orphanet 220460, MedGen C2675481, MONDO:0012953, OMIM 612591.

gnomAD v4.1: 1 of 1,613,966 alleles (0.000062%); highest among the groups gnomAD compares: Admixed American, 0.0017%; no homozygotes.

Submissions (3):

Labcorp Genetics (formerly Invitae), Labcorp
Classification: Uncertain significance for POLD1-related polyposis and colorectal cancer syndrome. Last evaluated: 2025-10-21. Review status: criteria provided, single submitter. Criteria: Invitae Variant Classification Sherloc (09022015). Collection method: clinical testing. Allele origin: germline.
Comment: This sequence change replaces aspartic acid, which is acidic and polar, with tyrosine, which is neutral and polar, at codon 175 of the POLD1 protein (p.Asp175Tyr). This variant is not present in population databases (gnomAD no frequency). This variant has not been reported in the literature in individuals affected with POLD1-related conditions. ClinVar contains an entry for this variant (Variation ID: 665516). An algorithm developed to predict the effect of missense changes on protein structure and function (PolyPhen-2) suggests that this variant is likely to be disruptive. In summary, the available evidence is currently insufficient to determine the role of this variant in disease. Therefore, it has been classified as a Variant of Uncertain Significance.

Ambry Genetics
Classification: Uncertain significance for Hereditary cancer-predisposing syndrome. Last evaluated: 2024-11-08. Review status: criteria provided, single submitter. Criteria: Ambry Variant Classification Scheme 2023. Collection method: clinical testing. Allele origin: germline.
Comment: The p.D175Y variant (also known as c.523G>T), located in coding exon 4 of the POLD1 gene, results from a G to T substitution at nucleotide position 523. The aspartic acid at codon 175 is replaced by tyrosine, an amino acid with highly dissimilar properties. This amino acid position is well conserved in available vertebrate species. In addition, this alteration is predicted to be tolerated by in silico analysis. Based on the available evidence, the clinical significance of this variant remains unclear.

GeneDx
Classification: Uncertain significance. Last evaluated: 2020-10-16. Review status: criteria provided, single submitter. Criteria: GeneDx Variant Classification Process June 2021. Collection method: clinical testing. Allele origin: germline. Affected: yes.
Comment: Not observed in large population cohorts (Lek et al., 2016); Protein-based in silico analysis, which includes protein predictors and evolutionary conservation, supports a deleterious effect. In addition, splice predictors suggest this variant may impact gene splicing.In the absence of RNA or functional studies, the actual effect of this sequence change is unknown.; Has not been previously published as pathogenic or benign to our knowledge; This variant is associated with the following publications: (PMID: 32041611)

NM_002691.4(POLD1):c.523G>T (p.Asp175Tyr)

Gene: POLD1 (DNA polymerase delta 1, catalytic subunit; plus strand). Cytogenetic location: 19q13.33.
Variant type: single nucleotide variant.
Coding change: c.523G>T on transcript NM_002691.4 (MANE Select); coding-DNA position 523, G replaced by T.
Protein change: p.Asp175Tyr; replaces aspartic acid 175 with tyrosine.
Molecular consequence: missense variant. On other transcripts: non-coding transcript variant (1).
Genome position (GRCh38, 1-based): chr19:50,402,058, G>T. VCF-style: chr19-50402058-G-T. GRCh37 (hg19) VCF-style: chr19-50905315-G-T.
Other names: c.523G>T, p.Asp175Tyr (NM_001256849.1, NM_001308632.1); c.523G>T (NM_002691.2); short protein forms D175Y.
Identifiers: ClinVar variation 665516 (VCV000665516.11), dbSNP rs1601199588, ClinGen allele CA406973159.
Genomic context (GRCh38, chr19:50,402,058, plus strand): 5'-GGTTTCGGGCCCGAGCACATGGGTGACCTGCAACGGGAGCTGAACTTGGCCATCAGCCGG[G>T]ACAGTCGCGGGGGGAGGGAGCTGACTGGGCCGGCCGTGCTGGCTGTGGAACTGTGCTCCC-3'
Protein context (NP_002682.2, residues 165-185): QRELNLAISR[Asp175Tyr]SRGGRELTGP